The following is an entry in ClinVar:

NM_001184.4(ATR):c.1298G>A (p.Arg433His)

Gene: ATR (ATR checkpoint kinase; minus strand). Cytogenetic location: 3q23.
Variant type: single nucleotide variant.
Coding change: c.1298G>A on transcript NM_001184.4 (MANE Select); coding-DNA position 1298, G replaced by A.
Protein change: p.Arg433His; replaces arginine 433 with histidine.
Molecular consequence: missense variant.
Genome position (GRCh38, 1-based): chr3:142,561,294, C>T on the plus strand (G>A on the coding strand, the complement: ATR is on the minus strand). VCF-style: chr3-142561294-C-T. GRCh37 (hg19) VCF-style: chr3-142280136-C-T.
Other names: c.1298G>A, p.Arg433His (NM_001354579.2); short protein forms R433H.
Identifiers: ClinVar variation 861211 (VCV000861211.8), dbSNP rs369434236, ClinGen allele CA2650635.
Genomic context (GRCh38, chr3:142,561,294, plus strand): 5'-TCATCATACTCCTCAGTCTGTTTTGGTGCTCTTTTAGAAGGGTTTAGAGACGAGCTGAGA[C>T]GACGCCTTTTGGGTGATATTCCATCACTATTACTGCTGAGGTTTTCCTGTTGAGTTTGGC-3'
Protein context (NP_001175.2, residues 423-443): NSDGISPKRR[Arg433His]LSSSLNPSKR

ClinVar aggregate classification (germline): Uncertain significance. Review status: criteria provided, multiple submitters, no conflicts (2 of 4 stars). 2 submissions from 2 submitters: Uncertain significance (2). Last evaluated 2026-01-26.

Conditions:
Familial cutaneous telangiectasia and oropharyngeal predisposition cancer syndrome. Identifiers: Orphanet 313846, MedGen C3281203, MONDO:0013806, OMIM 614564.
Seckel syndrome 1 (SCKL1). Also called: MICROCEPHALIC PRIMORDIAL DWARFISM I. Identifiers: Orphanet 808, MedGen C4551474, MONDO:0008869, OMIM 210600.

Allele frequency attached by ClinVar (database versions not stated): gnomAD 0.00006 and 0.00007; TOPMed 0.00007; ExAC 0.00008; gnomAD exomes 0.00008 and 0.00009; ESP Exome Variant Server 0.00015.
gnomAD v4.1: 136 of 1,613,944 alleles (0.0084%); highest among the groups gnomAD compares: Non-Finnish European, 0.01%; no homozygotes.

Submissions (2):

Labcorp Genetics (formerly Invitae), Labcorp
Classification: Uncertain significance. Last evaluated: 2026-01-26. Review status: criteria provided, single submitter. Criteria: Invitae Variant Classification Sherloc (09022015). Collection method: clinical testing. Allele origin: germline.
Comment: This sequence change replaces arginine, which is basic and polar, with histidine, which is basic and polar, at codon 433 of the ATR protein (p.Arg433His). This variant is present in population databases (rs369434236, gnomAD 0.02%). This variant has not been reported in the literature in individuals affected with ATR-related conditions. ClinVar contains an entry for this variant (Variation ID: 861211). An algorithm developed to predict the effect of missense changes on protein structure and function (PolyPhen-2) suggests that this variant is likely to be tolerated. In summary, the available evidence is currently insufficient to determine the role of this variant in disease. Therefore, it has been classified as a Variant of Uncertain Significance.

Fulgent Genetics
Classification: Uncertain significance for Seckel syndrome 1; Familial cutaneous telangiectasia and oropharyngeal predisposition cancer syndrome. Last evaluated: 2024-06-19. Review status: criteria provided, single submitter. Criteria: ACMG Guidelines, 2015. Collection method: clinical testing. Allele origin: germline.